The following is an entry in ClinVar:

ClinVar aggregate classification (germline): Pathogenic. Review status: criteria provided, multiple submitters, no conflicts (2 of 4 stars). 5 submissions from 5 submitters: Pathogenic (5). Last evaluated 2025-10-02.

Conditions:
Hereditary cancer-predisposing syndrome. Also called: Hereditary Cancer Syndrome; Tumor predisposition; Neoplastic Syndromes, Hereditary; Hereditary neoplastic syndrome. Identifiers: Orphanet 140162, MedGen C0027672, MeSH D009386, MONDO:0015356.
Peutz-Jeghers syndrome (PJS). Also called: Peutz-Jeghers polyposis; Periorificial lentiginosis syndrome; POLYPOSIS, HAMARTOMATOUS INTESTINAL; POLYPS-AND-SPOTS SYNDROME. Identifiers: Orphanet 2869, MedGen C0031269, MeSH D010580, MONDO:0008280, OMIM 175200.

Submissions (5):

Ambry Genetics
Classification: Pathogenic for Hereditary cancer-predisposing syndrome. Last evaluated: 2025-10-02. Review status: criteria provided, single submitter. Criteria: Ambry Variant Classification Scheme 2023. Collection method: clinical testing. Allele origin: germline.
Comment: The c.180delC pathogenic mutation, located in coding exon 1 of the STK11 gene, results from a deletion of one nucleotide at nucleotide position 180, causing a translational frameshift with a predicted alternate stop codon (p.Y60*). This variant is considered to be rare based on population cohorts in the Genome Aggregation Database (gnomAD). This alteration is expected to result in loss of function by premature protein truncation or nonsense-mediated mRNA decay. As such, this alteration is interpreted as a disease-causing mutation.

Labcorp Genetics (formerly Invitae), Labcorp
Classification: Pathogenic for Peutz-Jeghers syndrome. Last evaluated: 2022-11-09. Review status: criteria provided, single submitter. Criteria: Invitae Variant Classification Sherloc (09022015). Collection method: clinical testing. Allele origin: germline.
Comment: For these reasons, this variant has been classified as Pathogenic. ClinVar contains an entry for this variant (Variation ID: 503650). This premature translational stop signal has been observed in individual(s) with Peutz-Jeghers syndrome (PJS) (PMID: 9428765, 10353780, 17026623, 22679258, 23718779, 24037887). This variant is not present in population databases (gnomAD no frequency). This sequence change creates a premature translational stop signal (p.Tyr60*) in the STK11 gene. It is expected to result in an absent or disrupted protein product. Loss-of-function variants in STK11 are known to be pathogenic (PMID: 15188174, 16287113).

Genome-Nilou Lab
Classification: Pathogenic for Peutz-Jeghers syndrome. Last evaluated: 2021-07-15. Review status: criteria provided, single submitter. Criteria: ACMG Guidelines, 2015. Collection method: clinical testing. Allele origin: germline. Affected: no.

GeneDx
Classification: Pathogenic. Last evaluated: 2020-09-14. Review status: criteria provided, single submitter. Criteria: GeneDx Variant Classification Process June 2021. Collection method: clinical testing. Allele origin: germline. Affected: yes.
Comment: Nonsense variant predicted to result in protein truncation or nonsense mediated decay in a gene for which loss-of-function is a known mechanism of disease; Not observed in large population cohorts (Lek et al., 2016); This variant is associated with the following publications: (PMID: 17026623, 19727776)

Color Diagnostics, LLC DBA Color Health
Classification: Pathogenic for Hereditary cancer-predisposing syndrome. Last evaluated: 2020-01-03. Review status: criteria provided, single submitter. Criteria: ACMG Guidelines, 2015. Collection method: clinical testing. Allele origin: germline.
Comment: This variant deletes 1 nucleotide in exon 1 of the STK11 gene, creating a frameshift and premature translation stop signal. This variant is expected to result in an absent or non-functional protein product. Splice site prediction tools suggest that this variant may not impact RNA splicing. To our knowledge, functional studies have not been performed for this variant. This variant has been reported in at least one individual affected with Peutz-Jeghers syndrome in the literature (PMID 17026623), but other variants resulting in the equivalent protein truncation (p.Tyr60*) have been observed in numerous Peutz-Jeghers syndrome patients (PMID 9428765, 10353780, 11389158, 16287113, 17026623, 19145097, 21118512, 22679258, 23718779, 24037887, 24604241, 30528796). This variant has not been identified in the general population by the Genome Aggregation Database (gnomAD). Loss of STK11 function is a known mechanism of disease. Based on the available evidence, this variant is classified as Pathogenic.

Literature cited by the submitters: PubMed 9428765 (cited by Labcorp Genetics (formerly Invitae), Labcorp); PubMed 10353780 (cited by Labcorp Genetics (formerly Invitae), Labcorp); PubMed 17026623 (cited by Labcorp Genetics (formerly Invitae), Labcorp); PubMed 22679258 (cited by Labcorp Genetics (formerly Invitae), Labcorp); PubMed 23718779 (cited by Labcorp Genetics (formerly Invitae), Labcorp); PubMed 24037887 (cited by Labcorp Genetics (formerly Invitae), Labcorp); PubMed 15188174 (cited by Labcorp Genetics (formerly Invitae), Labcorp); PubMed 16287113 (cited by Labcorp Genetics (formerly Invitae), Labcorp).

NM_000455.5(STK11):c.180del (p.Ser59_Tyr60insTer)

Gene: STK11 (serine/threonine kinase 11; plus strand). Cytogenetic location: 19p13.3.
Variant type: Deletion.
Coding change: c.180del on transcript NM_000455.5 (MANE Select); coding-DNA position 180, one base deleted (C; older notation c.180delC).
Protein change: p.Ser59_Tyr60insTer.
Molecular consequence: nonsense.
Genome position (GRCh38, 1-based): chr19:1,207,093, C deleted. VCF-style (leftmost placement, unchanged base first): chr19-1207092-AC-A. GRCh37 (hg19) VCF-style: chr19-1207091-AC-A.
Other names: c.180delC (NM_000455.4).
Identifiers: ClinVar variation 503650 (VCV000503650.17), dbSNP rs1555735008, ClinGen allele CA504706283.
Genomic context (GRCh38, chr19:1,207,092, plus strand): 5'-GCAAGCGGGCCAAGCTCATCGGCAAGTACCTGATGGGGGACCTGCTGGGGGAAGGCTCTT[AC>A]GGCAAGGTGAAGGAGGTGCTGGACTCGGAGACGCTGTGCAGGAGGGCCGTCAAGATCCTC-3'